The following is an entry in ClinVar:

ClinVar aggregate classification (germline): Pathogenic (1 of 4 stars; one submission).

Conditions:
Multiple congenital exostosis (EXT). Also called: MULTIPLE CARTILAGINOUS EXOSTOSES; Hereditary multiple exostoses; Hereditary multiple exostosis; Multiple osteochondromas; Hereditary multiple osteochondromas; Multiple exostoses. Identifiers: Orphanet 321, MedGen C0015306, MONDO:0005508, HP:0002762.

Submission:

Labcorp Genetics (formerly Invitae), Labcorp
Classification: Pathogenic for Multiple congenital exostosis. Last evaluated: 2019-03-27. Review status: criteria provided, single submitter. Criteria: Invitae Variant Classification Sherloc (09022015). Collection method: clinical testing. Allele origin: germline.
Comment: This variant is a deletion of the genomic region encompassing part of exon 1 (c.123_962+1814del) of the EXT1 gene. It is expected to disrupt RNA splicing and likely results in an absent or disrupted protein product. This variant has not been reported in the literature in individuals with EXT1-related conditions. This variant disrupts the p.Arg280 amino acid residue in EXT1. Other variant(s) that disrupt this residue have been determined to be pathogenic (PMID: 9521425, 9463333). This suggests that this residue is clinically-significant, and that variants that disrupt this residue are likely to be disease-causing. Loss-of-function variants in EXT1 are known to be pathogenic (PMID: 10679937, 11391482, 19810120). For these reasons, this variant has been classified as Pathogenic.

Literature cited by the submitters: PubMed 9463333; PubMed 9521425.

NM_000127.3(EXT1):c.124_962+1815del

Gene: EXT1 (exostosin glycosyltransferase 1; minus strand). Cytogenetic location: 8q24.11.
Variant type: Deletion.
Coding change: c.124_962+1815del on transcript NM_000127.3 (MANE Select); coding-DNA position 124 through 1815 bases into the intron after coding-DNA position 962, 2,654 bases deleted.
Molecular consequence: splice donor variant.
Genome position (GRCh38, 1-based): chr8:118,108,270-118,110,923, 2,654 bases deleted. GRCh37 (hg19): chr8:119,120,513-119,123,166.
Identifiers: ClinVar variation 851459 (VCV000851459.1), ClinGen allele CA916081523.